The following is an entry in ClinVar:

NM_032271.3(TRAF7):c.1261A>G (p.Lys421Glu)

Gene: TRAF7 (TNF receptor associated factor 7; plus strand). Cytogenetic location: 16p13.3.
Variant type: single nucleotide variant.
Coding change: c.1261A>G on transcript NM_032271.3 (MANE Select); coding-DNA position 1261, A replaced by G.
Protein change: p.Lys421Glu; replaces lysine 421 with glutamic acid.
Molecular consequence: missense variant.
Genome position (GRCh38, 1-based): chr16:2,174,046, A>G. VCF-style: chr16-2174046-A-G. GRCh37 (hg19) VCF-style: chr16-2224047-A-G.
Other names: c.1261A>G (NM_032271.2); short protein forms K421E.
Identifiers: ClinVar variation 4928068 (VCV004928068.2).

ClinVar aggregate classification (germline): Uncertain significance. Review status: criteria provided, multiple submitters, no conflicts (2 of 4 stars). 2 submissions from 2 submitters: Uncertain significance (2). Last evaluated 2026-04-14.

Conditions:
TRAF7-related disorder. Also called: TRAF7-related condition.

Submissions (2):

PreventionGenetics, part of Exact Sciences
Classification: Uncertain significance for TRAF7-related condition. Last evaluated: 2026-04-14. Review status: criteria provided, single submitter. Criteria: ACMG Guidelines, 2015. Collection method: clinical testing. Allele origin: germline.
Comment: The TRAF7 c.1261A>G variant is predicted to result in the amino acid substitution p.Lys421Glu. To our knowledge, this variant has not been reported in the literature or in a large population database (gnomAD), indicating this variant is rare. Missense and splicing variants in TRAF7 have been reported to be inherited from an unaffected parent in individuals with congenital heart defects (Mishra-Gorur et al. 2023. PubMed ID: 37043537). At this time, the clinical significance of this variant is uncertain due to the absence of conclusive functional and genetic evidence.

Blueprint Genetics
Classification: Uncertain significance. Last evaluated: 2024-03-06. Review status: criteria provided, single submitter. Criteria: ACMG Guidelines, 2015. Collection method: clinical testing. Allele origin: germline.